The following is an entry in ClinVar:

NM_005477.3(HCN4):c.481C>A (p.Pro161Thr)

Gene: HCN4 (hyperpolarization activated cyclic nucleotide gated potassium channel 4; minus strand). Cytogenetic location: 15q24.1.
Variant type: single nucleotide variant.
Coding change: c.481C>A on transcript NM_005477.3 (MANE Select); coding-DNA position 481, C replaced by A.
Protein change: p.Pro161Thr; replaces proline 161 with threonine.
Molecular consequence: missense variant.
Genome position (GRCh38, 1-based): chr15:73,367,790, G>T on the plus strand (C>A on the coding strand, the complement: HCN4 is on the minus strand). VCF-style: chr15-73367790-G-T. GRCh37 (hg19) VCF-style: chr15-73660131-G-T.
Other names: c.481C>A (NM_005477.2); short protein forms P161T.
Identifiers: ClinVar variation 1385152 (VCV001385152.7), dbSNP rs1490522995, ClinGen allele CA393097892.
Genomic context (GRCh38, chr15:73,367,790, plus strand): 5'-GCTCGCAGGAGGCGGAGGCCGGCTGCGGTGGCTGCTGGGGCGGCGGCGGCGAGGCTGCGG[G>T]CTGCGCCGAGGCGCCGGGGCGCTCGGGCTCGGCCGCCAGGCCTGGGGGCGTCCTGTCCTC-3'
Protein context (NP_005468.1, residues 151-171): EPERPGASAQ[Pro161Thr]AASPPPPQQP

ClinVar aggregate classification (germline): Uncertain significance. Review status: criteria provided, multiple submitters, no conflicts (2 of 4 stars). 2 submissions from 2 submitters: Uncertain significance (2). Last evaluated 2023-05-28.

Conditions:
Brugada syndrome 8 (BRGDA8). Identifiers: Orphanet 130, MedGen C2751083, MONDO:0013148, OMIM 613123.
Cardiovascular phenotype. Identifiers: MedGen CN230736.

Allele frequency attached by ClinVar (database versions not stated): TOPMed below 0.00001; gnomAD exomes 0.00008.
gnomAD v4.1: 1 of 1,334,646 alleles (0.000075%); highest among the groups gnomAD compares: African/African-American, 0.0015%; no homozygotes.

Submissions (2):

Ambry Genetics
Classification: Uncertain significance for Cardiovascular phenotype. Last evaluated: 2023-05-28. Review status: criteria provided, single submitter. Criteria: Ambry Variant Classification Scheme 2023. Collection method: clinical testing. Allele origin: germline.
Comment: The p.P161T variant (also known as c.481C>A), located in coding exon 1 of the HCN4 gene, results from a C to A substitution at nucleotide position 481. The proline at codon 161 is replaced by threonine, an amino acid with highly similar properties. This amino acid position is conserved. In addition, this alteration is predicted to be tolerated by in silico analysis. Since supporting evidence is limited at this time, the clinical significance of this alteration remains unclear.

Labcorp Genetics (formerly Invitae), Labcorp
Classification: Uncertain significance for Brugada syndrome 8. Last evaluated: 2022-08-10. Review status: criteria provided, single submitter. Criteria: Invitae Variant Classification Sherloc (09022015). Collection method: clinical testing. Allele origin: germline.
Comment: In summary, the available evidence is currently insufficient to determine the role of this variant in disease. Therefore, it has been classified as a Variant of Uncertain Significance. Advanced modeling of protein sequence and biophysical properties (such as structural, functional, and spatial information, amino acid conservation, physicochemical variation, residue mobility, and thermodynamic stability) performed at Invitae indicates that this missense variant is not expected to disrupt HCN4 protein function. ClinVar contains an entry for this variant (Variation ID: 1385152). This variant has not been reported in the literature in individuals affected with HCN4-related conditions. The frequency data for this variant in the population databases is considered unreliable, as metrics indicate poor data quality at this position in the gnomAD database. This sequence change replaces proline, which is neutral and non-polar, with threonine, which is neutral and polar, at codon 161 of the HCN4 protein (p.Pro161Thr).